The following is an entry in ClinVar:

ClinVar aggregate classification (germline): Benign/Likely benign. Review status: criteria provided, multiple submitters, no conflicts (2 of 4 stars). 4 submissions from 4 submitters: Benign (2); Likely benign (2). Last evaluated 2026-02-01.

Conditions:
Joubert syndrome 23 (JBTS23). Identifiers: Orphanet 475, MedGen C4084822, MONDO:0014664, OMIM 616490.
Short-rib thoracic dysplasia 14 with polydactyly (SRTD14). Identifiers: Orphanet 397715, MedGen C4225286, MONDO:0014688, OMIM 616546.

Allele frequency attached by ClinVar (database versions not stated): 1000 Genomes Project 0.00998; TOPMed 0.01105; gnomAD 0.01118 and 0.01178; gnomAD exomes 0.01382 and 0.01528; ExAC 0.01438; 1000 Genomes Project 30x 0.00937; ESP Exome Variant Server 0.00947.
gnomAD v4.1: 24,151 of 1,613,894 alleles (1.5%); highest among the groups gnomAD compares: Middle Eastern, 3.9%; 224 homozygotes.

Submissions (4):

Labcorp Genetics (formerly Invitae), Labcorp
Classification: Benign for Joubert syndrome 23; Short-rib thoracic dysplasia 14 with polydactyly. Last evaluated: 2026-02-01. Review status: criteria provided, single submitter. Criteria: Invitae Variant Classification Sherloc (09022015). Collection method: clinical testing. Allele origin: germline.

Mayo Clinic Laboratories, Mayo Clinic
Classification: Benign. Last evaluated: 2024-01-17. Review status: criteria provided, single submitter. Criteria: ACMG Guidelines, 2015. Collection method: clinical testing. Allele origin: germline. Observed: 3 variant alleles.
Comment: BA1, BS2, BP4_strong

GeneDx
Classification: Likely benign. Last evaluated: 2020-10-29. Review status: criteria provided, single submitter. Criteria: GeneDx Variant Classification Process June 2021. Collection method: clinical testing. Allele origin: germline. Affected: yes.

Breakthrough Genomics
Classification: Likely benign. Review status: criteria provided, single submitter. Criteria: ACMG Guidelines, 2015. Collection method: not provided. Allele origin: germline. Inheritance: Autosomal recessive inheritance. Affected: yes.

NM_001329943.3(KIAA0586):c.3719T>C (p.Leu1240Ser)

Gene: KIAA0586 (KIAA0586; plus strand). Cytogenetic location: 14q23.1.
Variant type: single nucleotide variant.
Coding change: c.3719T>C on transcript NM_001329943.3 (MANE Select); coding-DNA position 3719, T replaced by C.
Protein change: p.Leu1240Ser; replaces leucine 1240 with serine.
Molecular consequence: missense variant.
Genome position (GRCh38, 1-based): chr14:58,488,812, T>C. VCF-style: chr14-58488812-T-C. GRCh37 (hg19) VCF-style: chr14-58955530-T-C.
Other names: p.Leu1293Ser; c.3878T>C, p.Leu1293Ser (NM_001244189.2); c.3674T>C, p.Leu1225Ser (NM_001244190.2); c.3464T>C, p.Leu1155Ser (NM_001244191.2, NM_001329945.2, NM_001364700.1 and 1 more transcripts); c.3587T>C, p.Leu1196Ser (NM_001244192.2); c.3299T>C, p.Leu1100Ser (NM_001244193.2); c.3719T>C, p.Leu1240Ser (NM_001329944.2, NM_001329946.2, NM_001329947.2); c.3491T>C, p.Leu1164Ser (NM_014749.5); short protein forms L1164S, L1293S, L1100S, L1225S, L1155S, L1196S, L1240S.
Identifiers: ClinVar variation 475449 (VCV000475449.15), dbSNP rs190271845, ClinGen allele CA7206242.
Genomic context (GRCh38, chr14:58,488,812, plus strand): 5'-GTTCTGATTCATCAACACTGGAGAGCACATTGAGTGTTACTGTCACTGAAACTGAAACTT[T>C]AGATAAACCCATCTCTGAAGGAGAGATTTTATTTAGCTGTGGTCAAAAATTGGCCCCCAA-3'
Protein context (NP_001316872.1, residues 1230-1250): LSVTVTETET[Leu1240Ser]DKPISEGEIL